The following is an entry in ClinVar:

NM_000057.4(BLM):c.3358+3A>T

Gene: BLM (BLM RecQ like helicase; plus strand). Cytogenetic location: 15q26.1.
Variant type: single nucleotide variant.
Coding change: c.3358+3A>T on transcript NM_000057.4 (MANE Select); 3 bases into the intron after coding-DNA position 3358, A replaced by T.
Molecular consequence: intron variant.
Genome position (GRCh38, 1-based): chr15:90,798,340, A>T. VCF-style: chr15-90798340-A-T. GRCh37 (hg19) VCF-style: chr15-91341570-A-T.
Other names: c.3358+3A>T (NM_001287246.2, NM_001287247.2); c.2233+3A>T (NM_001287248.2).
Identifiers: ClinVar variation 4533148 (VCV004533148.1).

ClinVar aggregate classification (germline): Uncertain significance (1 of 4 stars; one submission).

Submission:

Quest Diagnostics Nichols Institute San Juan Capistrano
Classification: Uncertain significance. Last evaluated: 2025-05-09. Review status: criteria provided, single submitter. Criteria: Quest Diagnostics criteria. Collection method: clinical testing. Allele origin: unknown.
Comment: The BLM c.3358+3A>T variant has not been reported in individuals with BLM-related conditions in the published literature. It also has not been reported in large, multi-ethnic general populations (Genome Aggregation Database). Analysis of this variant using software algorithms for the prediction of the effect of nucleotide changes on splicing yielded predictions that this variant does not affect BLM mRNA splicing. Based on the available information, we are unable to determine the clinical significance of this variant.